The following is an entry in ClinVar:

ClinVar aggregate classification (germline): Uncertain significance. Review status: criteria provided, multiple submitters, no conflicts (2 of 4 stars). 3 submissions from 3 submitters: Uncertain significance (3). Last evaluated 2023-04-11.

Conditions:
Lissencephaly 9 with complex brainstem malformation. Identifiers: Orphanet 572013, MedGen C5193029, MONDO:0032677, OMIM 618325.

Submissions (3):

Genome-Nilou Lab
Classification: Uncertain significance for Lissencephaly 9 with complex brainstem malformation. Last evaluated: 2023-04-11. Review status: criteria provided, single submitter. Criteria: ACMG Guidelines, 2015. Collection method: clinical testing. Allele origin: germline. Affected: no.

GeneDx
Classification: Uncertain significance. Last evaluated: 2022-06-16. Review status: criteria provided, single submitter. Criteria: GeneDx Variant Classification Process June 2021. Collection method: clinical testing. Allele origin: germline. Affected: yes.
Comment: Not observed at significant frequency in large population cohorts (gnomAD); In silico analysis supports a deleterious effect on protein structure/function; Has not been previously published as pathogenic or benign to our knowledge

New York Genome Center
Classification: Uncertain significance for Lissencephaly 9 with complex brainstem malformation. Last evaluated: 2021-02-05. Review status: criteria provided, single submitter. Criteria: NYGC Assertion Criteria 2020. Collection method: clinical testing. Allele origin: inherited. Observed: 1 heterozygote. Study: CSER-NYCKidSeq.

NM_001394062.1(MACF1):c.15561AGA[2] (p.Glu5190del)

Gene: MACF1 (microtubule actin crosslinking factor 1; plus strand). Cytogenetic location: 1p34.3.
Variant type: Microsatellite.
Coding change: c.15561AGA[2] on transcript NM_001394062.1 (MANE Select); two copies in a row of the 3-base unit AGA starting at c.15561; the reference has three copies in a row; one copy, 3 bases deleted.
Protein change: p.Glu5190del; deletes glutamic acid 5190.
Molecular consequence: inframe deletion.
Genome position (GRCh38, 1-based): chr1:39,388,409-39,388,411, AGA deleted; deleting any 3 consecutive bases within chr1:39,388,403-39,388,411 gives the same sequence; the position shown is the placement nearest the transcript's 3' end. VCF-style (leftmost placement, unchanged base first): chr1-39388402-TAGA-T. GRCh37 (hg19) VCF-style: chr1-39854074-TAGA-T.
Other names: c.9381_9383del (NM_012090.5); c.9375AGA[2], p.Glu3128del (NM_012090.5); short protein forms E3128del, E5190del.
Identifiers: ClinVar variation 1341853 (VCV001341853.3), dbSNP rs2148568956, ClinGen allele CA2580611435.